The following is an entry in ClinVar:

NM_015164.4(PLEKHM2):c.2399+5G>A

Gene: PLEKHM2 (pleckstrin homology and RUN domain containing M2; plus strand). Cytogenetic location: 1p36.21.
Variant type: single nucleotide variant.
Coding change: c.2399+5G>A on transcript NM_015164.4 (MANE Select); 5 bases into the intron after coding-DNA position 2399, G replaced by A.
Molecular consequence: intron variant.
Genome position (GRCh38, 1-based): chr1:15,730,727, G>A. VCF-style: chr1-15730727-G-A. GRCh37 (hg19) VCF-style: chr1-16057222-G-A.
Other names: c.2339+5G>A (NM_001410755.1).
Identifiers: ClinVar variation 3626616 (VCV003626616.2).
Genomic context (GRCh38, chr1:15,730,727, plus strand): 5'-GCGGGCACCTCCTACCTGGGCAAGGAACACTGGAAGACGTGCTTCGTGGTGCTCAGGTGG[G>A]AGCCCTGGCAGCTCTAGGCCTGGGGCTTGGGCCCTGGGGTGGCTGGGCTGTCAGGTCCCC-3'

ClinVar aggregate classification (germline): Uncertain significance (1 of 4 stars; one submission).

gnomAD v4.1: 6 of 1,589,472 alleles (0.00038%); highest among the groups gnomAD compares: Non-Finnish European, 0.00051%; no homozygotes.

Submission:

Labcorp Genetics (formerly Invitae), Labcorp
Classification: Uncertain significance. Last evaluated: 2024-09-06. Review status: criteria provided, single submitter. Criteria: Invitae Variant Classification Sherloc (09022015). Collection method: clinical testing. Allele origin: germline.
Comment: This sequence change falls in intron 15 of the PLEKHM2 gene. It does not directly change the encoded amino acid sequence of the PLEKHM2 protein. It affects a nucleotide within the consensus splice site. The frequency data for this variant in the population databases is considered unreliable, as metrics indicate poor data quality at this position in the gnomAD database. This variant has not been reported in the literature in individuals affected with PLEKHM2-related conditions. Variants that disrupt the consensus splice site are a relatively common cause of aberrant splicing (PMID: 17576681, 9536098). Algorithms developed to predict the effect of sequence changes on RNA splicing suggest that this variant may disrupt the consensus splice site. In summary, the available evidence is currently insufficient to determine the role of this variant in disease. Therefore, it has been classified as a Variant of Uncertain Significance.

Literature cited by the submitters: PubMed 17576681; PubMed 9536098.